The following is an entry in ClinVar:

NM_001013838.3(CARMIL2):c.1858G>A (p.Ala620Thr)

Gene: CARMIL2 (capping protein regulator and myosin 1 linker 2; plus strand). Cytogenetic location: 16q22.1.
Variant type: single nucleotide variant.
Coding change: c.1858G>A on transcript NM_001013838.3 (MANE Select); coding-DNA position 1858, G replaced by A.
Protein change: p.Ala620Thr; replaces alanine 620 with threonine.
Molecular consequence: missense variant.
Genome position (GRCh38, 1-based): chr16:67,649,558, G>A. VCF-style: chr16-67649558-G-A. GRCh37 (hg19) VCF-style: chr16-67683461-G-A.
Other names: c.1750G>A, p.Ala584Thr (NM_001317026.3); short protein forms A620T, A584T.
Identifiers: ClinVar variation 1352457 (VCV001352457.6), dbSNP rs2142925339, ClinGen allele CA396337885.
Genomic context (GRCh38, chr16:67,649,558, plus strand): 5'-GTCCTACTCCGGGCCCTAGCCACCAATCCTAACCTGACCGCGCTGGATATCAGCGGCAAC[G>A]CCATGGGGGACGCGGGCGCCAAGTTGCTGGCCAAGGCGCTGCGGGTCAACTCGAGGCTCC-3'
Protein context (NP_001013860.1, residues 610-630): NLTALDISGN[Ala620Thr]MGDAGAKLLA

ClinVar aggregate classification (germline): Uncertain significance (1 of 4 stars; one submission).

gnomAD v4.1: 1 of 1,603,332 alleles (0.000062%); highest among the groups gnomAD compares: Non-Finnish European, 0.000085%; no homozygotes.

Submission:

Labcorp Genetics (formerly Invitae), Labcorp
Classification: Uncertain significance. Last evaluated: 2025-11-24. Review status: criteria provided, single submitter. Criteria: Invitae Variant Classification Sherloc (09022015). Collection method: clinical testing. Allele origin: germline.
Comment: This sequence change replaces alanine, which is neutral and non-polar, with threonine, which is neutral and polar, at codon 620 of the CARMIL2 protein (p.Ala620Thr). This variant is not present in population databases (gnomAD no frequency). This variant has not been reported in the literature in individuals affected with CARMIL2-related conditions. ClinVar contains an entry for this variant (Variation ID: 1352457). Invitae Evidence Modeling of protein sequence and biophysical properties (such as structural, functional, and spatial information, amino acid conservation, physicochemical variation, residue mobility, and thermodynamic stability) indicates that this missense variant is not expected to disrupt CARMIL2 protein function with a negative predictive value of 80%. In summary, the available evidence is currently insufficient to determine the role of this variant in disease. Therefore, it has been classified as a Variant of Uncertain Significance.